The following is an entry in ClinVar:

ClinVar aggregate classification (germline): Uncertain significance (1 of 4 stars; one submission).

Submission:

CeGaT Center for Human Genetics Tuebingen
Classification: Uncertain significance. Last evaluated: 2026-02-01. Review status: criteria provided, single submitter. Criteria: CeGaT Center For Human Genetics Tuebingen Variant Classification Criteria Version 2. Collection method: clinical testing. Allele origin: germline. Affected: yes. Observed: 1 variant allele.
Comment: TTN: PM2

NM_001267550.2(TTN):c.53281G>T (p.Val17761Phe)

Genes: TTN (titin; minus strand), TTN-AS1 (TTN antisense RNA 1; plus strand), LOC126806425 (BRD4-independent group 4 enhancer GRCh37_chr2:179471933-179473132; plus strand). Cytogenetic location: 2q31.2.
Variant type: single nucleotide variant.
Coding change: c.53281G>T on transcript NM_001267550.2 (MANE Select); coding-DNA position 53281, G replaced by T.
Protein change: p.Val17761Phe; replaces valine 17761 with phenylalanine.
Molecular consequence: missense variant.
Genome position (GRCh38, 1-based): chr2:178,607,407, C>A on the plus strand (G>T on the coding strand, the complement: TTN is on the minus strand). VCF-style: chr2-178607407-C-A. GRCh37 (hg19) VCF-style: chr2-179472134-C-A.
Other names: c.45577G>T, p.Val15193Phe (NM_133378.4); c.26461G>T, p.Val8821Phe (NM_133432.3); c.26662G>T, p.Val8888Phe (NM_133437.4); c.48358G>T, p.Val16120Phe (NM_001256850.1); c.26086G>T, p.Val8696Phe (NM_003319.4); short protein forms V15193F, V16120F, V17761F, V8696F, V8821F, V8888F.
Identifiers: ClinVar variation 4823327 (VCV004823327.4).
Genomic context (GRCh38, chr2:178,607,407, plus strand): 5'-ATAAGATAGTATCACTTGGGAAAATCCTGTGAAAATCAGTGCAACATTCCTTACCAAAAA[C>A]TTCTACCCTGGCTGCTGCAAATTTGGAACCACAGCTATTTGTAGCTGTAATCACATATCT-3'
Protein context (NP_001254479.2, residues 17751-17771): GSKFAAARVE[Val17761Phe]FDVPGPVLDL